The following is an entry in ClinVar:

ClinVar aggregate classification (germline): Pathogenic. Review status: no assertion criteria provided (0 of 4 stars). 2 submissions from 2 submitters: Pathogenic (2). Last evaluated 2024-05-14.

Conditions:
Proteasome-associated autoinflammatory syndrome 6. Identifiers: MedGen C5935614, MONDO:0968983, OMIM 620796.
proteasome-associated autoinflammatory syndrome with immunodeficiency (PRAAS-ID).

Submissions (2):

OMIM
Classification: Pathogenic for PROTEASOME-ASSOCIATED AUTOINFLAMMATORY SYNDROME 6. Last evaluated: 2024-05-14. Review status: no assertion criteria provided. Collection method: literature only. Allele origin: germline.

Department of Human Genetics, Nagasaki University
Classification: Pathogenic for proteasome-associated autoinflammatory syndrome with immunodeficiency (PRAAS-ID). Last evaluated: 2021-09-30. Review status: no assertion criteria provided. Collection method: clinical testing. Allele origin: de novo. Affected: yes. Observed: 2 variant alleles, 2 heterozygotes. Clinical features observed: Fever (HP:0001945), Skin rash (HP:0000988), Myositis disease (HP:0100614), Decreased liver function (HP:0001410), Pneumonia (HP:0002090), Splenomegaly (HP:0001744), Pulmonary arterial hypertension (HP:0002092), Basal ganglia calcification (HP:0002135), Viremia.
Comment: Impaired proteasome activity due to genetic variants of certain subunits might lead to proteasome-associated autoinflammatory syndromes (PRAAS). Here we report a de novo heterozygous missense variant of the PSMB9 proteasome subunit gene in two unrelated Japanese infants resulting in an amino acid substitution of the glycine (G) at position 156 by aspartic acid (D) in the encoded protein β1i. In addition to PRAAS-like manifestations, these individuals suffer from pulmonary hypertension and immunodeficiency, which are distinct from typical PRAAS symptoms. The missense variant results in impaired immunoproteasome maturation and activity, but ubiquitin accumulation is hardly detectable in the patients. A mouse model of the heterozygous human genetic variant (Psmb9G156D/+) recapitulates the proteasome defects and the immunodeficiency phenotype of patients. Structurally, PSMB9 G156D interferes with the β ring-β ring interaction of the wild type protein that is necessary for 20S proteasome formation. We propose the term, proteasome-associated autoinflammatory syndrome with immunodeficiency (PRAAS-ID), to indicate a separate category of autoinflammatory diseases, similar to, but distinct from PRAAS, as represented by the patients in this study.

Literature cited by the submitters: PubMed 34819510 (cited by OMIM and Department of Human Genetics, Nagasaki University); PubMed 33727065 (cited by OMIM).

NM_002800.5(PSMB9):c.467G>A (p.Gly156Asp)

Gene: PSMB9 (proteasome 20S subunit beta 9; plus strand). Cytogenetic location: 6p21.32.
Variant type: single nucleotide variant.
Coding change: c.467G>A on transcript NM_002800.5 (MANE Select); coding-DNA position 467, G replaced by A.
Protein change: p.Gly156Asp; replaces glycine 156 with aspartic acid.
Molecular consequence: missense variant.
Genome position (GRCh38, 1-based): chr6:32,858,440, G>A. VCF-style: chr6-32858440-G-A. GRCh37 (hg19) VCF-style: chr6-32826217-G-A.
Other names: short protein forms G156D.
Identifiers: ClinVar variation 1299361 (VCV001299361.5), dbSNP rs2127399518, ClinGen allele CA363587562.
Genomic context (GRCh38, chr6:32,858,440, plus strand): 5'-GAGGAATGCTGACTCGACAGCCTTTTGCCATTGGTGGCTCCGGCAGCACCTTTATCTATG[G>A]TTATGTGGATGCAGCATATAAGCCAGGCATGTCTCCCGAGGAGTGCAGGCGCTTCACCAC-3'
Protein context (NP_002791.1, residues 146-166): IGGSGSTFIY[Gly156Asp]YVDAAYKPGM